The following is an entry in ClinVar:

NM_001009944.3(PKD1):c.11293C>T (p.Pro3765Ser)

Genes: PKD1 (polycystin 1, transient receptor potential channel interacting; minus strand), PKD1-AS1 (PKD1 antisense RNA 1; plus strand). Cytogenetic location: 16p13.3.
Variant type: single nucleotide variant.
Coding change: c.11293C>T on transcript NM_001009944.3 (MANE Select); coding-DNA position 11293, C replaced by T.
Protein change: p.Pro3765Ser; replaces proline 3765 with serine.
Molecular consequence: missense variant.
Genome position (GRCh38, 1-based): chr16:2,092,165, G>A on the plus strand (C>T on the coding strand, the complement: PKD1 is on the minus strand). VCF-style: chr16-2092165-G-A. GRCh37 (hg19) VCF-style: chr16-2142166-G-A.
Other names: c.11290C>T, p.Pro3764Ser (NM_000296.4); c.11290C>T (NM_000296.3); short protein forms P3764S, P3765S.
Identifiers: ClinVar variation 1207184 (VCV001207184.4), dbSNP rs751392918, ClinGen allele CA7829202.

ClinVar aggregate classification (germline): Conflicting classifications of pathogenicity. Review status: criteria provided, conflicting classifications (1 of 4 stars). 2 submissions from 2 submitters: Uncertain significance (1); Likely benign (1). Last evaluated 2026-04-28.

Conditions:
Inborn genetic diseases. Identifiers: MedGen C0950123, MeSH D030342.

Allele frequency attached by ClinVar (database versions not stated): gnomAD exomes below 0.00001; gnomAD 0.00001; ExAC 0.00001.
gnomAD v4.1: 6 of 1,609,822 alleles (0.00037%); highest among the groups gnomAD compares: Admixed American, 0.0017%; no homozygotes.

Submissions (2):

Ambry Genetics
Classification: Likely benign for Inborn genetic diseases. Last evaluated: 2026-04-28. Review status: criteria provided, single submitter. Criteria: Ambry Variant Classification Scheme 2023. Collection method: clinical testing. Allele origin: germline.

GeneDx
Classification: Uncertain significance. Last evaluated: 2020-10-15. Review status: criteria provided, single submitter. Criteria: GeneDx Variant Classification Process June 2021. Collection method: clinical testing. Allele origin: germline. Affected: yes.
Comment: Not observed at a significant frequency in large population cohorts (Lek et al., 2016); In silico analysis supports that this missense variant does not alter protein structure/function; Has not been previously published as pathogenic or benign to our knowledge